The following is an entry in ClinVar:

NM_006231.4(POLE):c.903T>C (p.Asp301=)

Gene: POLE (DNA polymerase epsilon, catalytic subunit; minus strand). Cytogenetic location: 12q24.33.
Variant type: single nucleotide variant.
Coding change: c.903T>C on transcript NM_006231.4 (MANE Select); coding-DNA position 903, T replaced by C.
Protein change: p.Asp301=; no amino-acid change (aspartic acid 301 retained).
Molecular consequence: synonymous variant.
Genome position (GRCh38, 1-based): chr12:132,676,552, A>G on the plus strand (T>C on the coding strand, the complement: POLE is on the minus strand). VCF-style: chr12-132676552-A-G. GRCh37 (hg19) VCF-style: chr12-133253138-A-G.
Identifiers: ClinVar variation 668546 (VCV000668546.6), dbSNP rs1593079339, ClinGen allele CA482723380.

ClinVar aggregate classification (germline): Benign/Likely benign. Review status: criteria provided, multiple submitters, no conflicts (2 of 4 stars). 4 submissions from 4 submitters: Benign (1); Likely benign (3). Last evaluated 2026-07-19.

Conditions:
Hereditary cancer-predisposing syndrome. Also called: Neoplastic Syndromes, Hereditary; Hereditary Cancer Syndrome; Hereditary neoplastic syndrome; Tumor predisposition. Identifiers: Orphanet 140162, MedGen C0027672, MeSH D009386, MONDO:0015356.
Colorectal cancer, susceptibility to, 12 (CRCS12). Also called: COLORECTAL CANCER, SUSCEPTIBILITY TO, ON CHROMOSOME 12q24. Identifiers: Orphanet 220460, MedGen C3554460, MONDO:0014038, OMIM 615083.

Allele frequency attached by ClinVar (database versions not stated): gnomAD exomes below 0.00001.
gnomAD v4.1: 2 of 1,610,312 alleles (0.00012%); highest among the groups gnomAD compares: Non-Finnish European, 0.00017%; no homozygotes.

Submissions (4):

Ambry Genetics
Classification: Likely benign for Hereditary cancer-predisposing syndrome. Last evaluated: 2026-07-19. Review status: criteria provided, single submitter. Criteria: Ambry Variant Classification Scheme 2023. Collection method: clinical testing. Allele origin: germline.

Myriad Genetics, Inc.
Classification: Benign for Colorectal cancer, susceptibility to, 12. Last evaluated: 2025-02-07. Review status: criteria provided, single submitter. Criteria: Myriad Autosomal Dominant, Autosomal Recessive and X-Linked Classification Criteria (2023). Collection method: clinical testing. Allele origin: unknown.
Comment: This variant is considered benign. This variant is a silent/synonymous amino acid change and it is not expected to impact splicing.

Labcorp Genetics (formerly Invitae), Labcorp
Classification: Likely benign. Last evaluated: 2023-03-04. Review status: criteria provided, single submitter. Criteria: Invitae Variant Classification Sherloc (09022015). Collection method: clinical testing. Allele origin: germline.

GeneDx
Classification: Likely benign. Last evaluated: 2018-05-17. Review status: criteria provided, single submitter. Criteria: GeneDx Variant Classification (06012015). Collection method: clinical testing. Allele origin: germline. Affected: yes.
Comment: This variant is considered likely benign or benign based on one or more of the following criteria: it is a conservative change, it occurs at a poorly conserved position in the protein, it is predicted to be benign by multiple in silico algorithms, and/or has population frequency not consistent with disease.